The following is an entry in ClinVar:

NM_001276290.1(PRKAR1A):c.973+9316T>C

Genes: FAM20A (FAM20A golgi associated secretory pathway pseudokinase; minus strand), PRKAR1A (protein kinase cAMP-dependent type I regulatory subunit alpha; plus strand). Cytogenetic location: 17q24.2.
Variant type: single nucleotide variant.
Coding change: c.973+9316T>C on transcript NM_001276290.1; 9316 bases into the intron after coding-DNA position 973, T replaced by C.
Molecular consequence: intron variant.
Genome position (GRCh38, 1-based): chr17:68,539,317, T>C. VCF-style: chr17-68539317-T-C. GRCh37 (hg19) VCF-style: chr17-66535458-T-C.
Other names: c.1361+20A>G (NM_017565.4); c.947+20A>G (NM_001243746.2).
Identifiers: ClinVar variation 4874588 (VCV004874588.2).

ClinVar aggregate classification (germline): Uncertain significance (1 of 4 stars; one submission).

gnomAD v4.1: 3 of 1,613,736 alleles (0.00019%); highest among the groups gnomAD compares: Admixed American, 0.0017%; no homozygotes.

Submission:

CeGaT Center for Human Genetics Tuebingen
Classification: Uncertain significance. Last evaluated: 2026-04-01. Review status: criteria provided, single submitter. Criteria: CeGaT Center For Human Genetics Tuebingen Variant Classification Criteria Version 2. Collection method: clinical testing. Allele origin: germline. Affected: yes. Observed: 1 variant allele.
Comment: PRKAR1A: PM2